The following is an entry in ClinVar:

ClinVar aggregate classification (germline): Uncertain significance. Review status: criteria provided, single submitter (1 of 4 stars). 2 submissions from 2 submitters: Uncertain significance (1). 1 of the submissions does not count toward it. Last evaluated 2026-03-20.

Conditions:
Familial isolated deficiency of vitamin E (AVED). Also called: ATAXIA, FRIEDREICH-LIKE, WITH SELECTIVE VITAMIN E DEFICIENCY; Ataxia with isolated vitamin E deficiency. Identifiers: Orphanet 96, MedGen C1848533, MONDO:0010188, OMIM 277460.

gnomAD v4.1: 2 of 1,614,064 alleles (0.00012%); highest among the groups gnomAD compares: East Asian, 0.0045%; no homozygotes.

Submissions (2):

Women's Health and Genetics/Laboratory Corporation of America, LabCorp
Classification: Uncertain significance. Last evaluated: 2026-03-20. Review status: criteria provided, single submitter. Criteria: LabCorp Variant Classification Summary - May 2015. Collection method: clinical testing. Allele origin: germline.
Comment: Variant summary: TTPA c.518C>T (p.Pro173Leu) results in a non-conservative amino acid change in the encoded protein sequence. Algorithms developed to predict the effect of missense changes on protein structure and function all suggest that this variant is likely to be disruptive. The variant was absent in 251346 control chromosomes. The available data on variant occurrences in the general population are insufficient to allow any conclusion about variant significance. To our knowledge, no occurrence of c.518C>T in individuals affected with TTPA-related conditions and no experimental evidence demonstrating its impact on protein function have been reported. ClinVar contains an entry for this variant (Variation ID: 4062443). Based on the evidence outlined above, the variant was classified as uncertain significance.

Natera, Inc.
Classification: Uncertain significance for Ataxia with isolated vitamin E deficiency. Last evaluated: 2025-02-26. Review status: no assertion criteria provided. Collection method: clinical testing. Allele origin: germline. Not counted in ClinVar's aggregate classification.

NM_000370.3(TTPA):c.518C>T (p.Pro173Leu)

Gene: TTPA (alpha tocopherol transfer protein; minus strand). Cytogenetic location: 8q12.3.
Variant type: single nucleotide variant.
Coding change: c.518C>T on transcript NM_000370.3 (MANE Select); coding-DNA position 518, C replaced by T.
Protein change: p.Pro173Leu; replaces proline 173 with leucine.
Molecular consequence: missense variant. On other transcripts: non-coding transcript variant (2), intron variant (3).
Genome position (GRCh38, 1-based): chr8:63,065,938, G>A on the plus strand (C>T on the coding strand, the complement: TTPA is on the minus strand). VCF-style: chr8-63065938-G-A. GRCh37 (hg19) VCF-style: chr8-63978497-G-A.
Other names: c.518C>T, p.Pro173Leu (NM_001413416.1); c.635C>T, p.Pro212Leu (NM_001413418.1); c.205-4513C>T (NM_001413417.1); c.205-1622C>T (NM_001413414.1); c.359-4513C>T (NM_001413415.1); short protein forms P173L, P212L.
Identifiers: ClinVar variation 4062443 (VCV004062443.2).